The following is an entry in ClinVar:

NM_003001.5(SDHC):c.374T>C (p.Met125Thr)

Gene: SDHC (succinate dehydrogenase complex subunit C; plus strand). Cytogenetic location: 1q23.3.
Variant type: single nucleotide variant.
Coding change: c.374T>C on transcript NM_003001.5 (MANE Select); coding-DNA position 374, T replaced by C.
Protein change: p.Met125Thr; replaces methionine 125 with threonine.
Molecular consequence: missense variant. On other transcripts: non-coding transcript variant (1), intron variant (3).
Genome position (GRCh38, 1-based): chr1:161,356,809, T>C. VCF-style: chr1-161356809-T-C. GRCh37 (hg19) VCF-style: chr1-161326599-T-C.
Other names: c.272T>C, p.Met91Thr (NM_001035512.3); c.215T>C, p.Met72Thr (NM_001035513.3); c.494T>C, p.Met165Thr (NM_001407115.1); c.317T>C, p.Met106Thr (NM_001407116.1); c.311T>C, p.Met104Thr (NM_001407117.1); c.266T>C, p.Met89Thr (NM_001407118.1); c.263T>C, p.Met88Thr (NM_001407119.1, NM_001407120.1); c.242-5520T>C (NM_001035511.3); and 2 more; short protein forms M125T, M72T, M91T, M165T, M89T, M104T, M106T, M88T.
Identifiers: ClinVar variation 407048 (VCV000407048.5), dbSNP rs1060501387, ClinGen allele CA16609919.

ClinVar aggregate classification (germline): Uncertain significance (1 of 4 stars; one submission).

Conditions:
Pheochromocytoma/paraganglioma syndrome 3. Also called: GLOMUS TUMORS, FAMILIAL, 3; SDHC-Related Hereditary Paraganglioma-Pheochromocytoma Syndrome (Paragangliomas 3); Paragangliomas 3; SDHC-Related Hereditary Paraganglioma-Pheochromocytoma Syndrome. Identifiers: Orphanet 29072, MedGen C1854336, MONDO:0011544, OMIM 605373.
Gastrointestinal stromal tumor. Also called: Gastrointestinal stromal tumor, somatic; Gastrointestinal stroma tumor. Identifiers: Orphanet 44890, MedGen C0238198, MeSH D046152, MONDO:0011719, OMIM 606764, HP:0100723.

Submission:

Labcorp Genetics (formerly Invitae), Labcorp
Classification: Uncertain significance for Pheochromocytoma/paraganglioma syndrome 3; Gastrointestinal stromal tumor. Last evaluated: 2024-09-14. Review status: criteria provided, single submitter. Criteria: Invitae Variant Classification Sherloc (09022015). Collection method: clinical testing. Allele origin: germline.
Comment: This sequence change replaces methionine, which is neutral and non-polar, with threonine, which is neutral and polar, at codon 125 of the SDHC protein (p.Met125Thr). This variant is not present in population databases (gnomAD no frequency). This variant has not been reported in the literature in individuals affected with SDHC-related conditions. ClinVar contains an entry for this variant (Variation ID: 407048). An algorithm developed to predict the effect of missense changes on protein structure and function outputs the following: PolyPhen-2: "Benign". The threonine amino acid residue is found in multiple mammalian species, which suggests that this missense change does not adversely affect protein function. In summary, the available evidence is currently insufficient to determine the role of this variant in disease. Therefore, it has been classified as a Variant of Uncertain Significance.